The following is an entry in ClinVar:

NM_003718.5(CDK13):c.4435C>T (p.Gln1479Ter)

Gene: CDK13 (cyclin dependent kinase 13; plus strand). Cytogenetic location: 7p14.1.
Variant type: single nucleotide variant.
Coding change: c.4435C>T on transcript NM_003718.5 (MANE Select); coding-DNA position 4435, C replaced by T.
Protein change: p.Gln1479Ter; replaces glutamine 1479 with a stop codon.
Molecular consequence: nonsense.
Genome position (GRCh38, 1-based): chr7:40,094,876, C>T. VCF-style: chr7-40094876-C-T. GRCh37 (hg19) VCF-style: chr7-40134475-C-T.
Other names: c.4255C>T, p.Gln1419Ter (NM_031267.4); short protein forms Q1419*, Q1479*.
Identifiers: ClinVar variation 1304234 (VCV001304234.2), dbSNP rs2150548951, ClinGen allele CA367297183.

ClinVar aggregate classification (germline): Uncertain significance (1 of 4 stars; one submission).

Submission:

GeneDx
Classification: Uncertain significance. Last evaluated: 2020-11-06. Review status: criteria provided, single submitter. Criteria: GeneDx Variant Classification Process June 2021. Collection method: clinical testing. Allele origin: germline. Affected: yes.
Comment: Not observed in large population cohorts (Lek et al., 2016); Nonsense variant predicted to result in protein truncation as the last 34 amino acids are lost, although loss-of-function variants have not been reported downstream of this position in the protein; Has not been previously published as pathogenic or benign to our knowledge